The following is an entry in ClinVar:

NM_032217.5(ANKRD17):c.5588A>T (p.His1863Leu)

Gene: ANKRD17 (ankyrin repeat domain 17; minus strand). Cytogenetic location: 4q13.3.
Variant type: single nucleotide variant.
Coding change: c.5588A>T on transcript NM_032217.5 (MANE Select); coding-DNA position 5588, A replaced by T.
Protein change: p.His1863Leu; replaces histidine 1863 with leucine.
Molecular consequence: missense variant.
Genome position (GRCh38, 1-based): chr4:73,092,040, T>A on the plus strand (A>T on the coding strand, the complement: ANKRD17 is on the minus strand). VCF-style: chr4-73092040-T-A. GRCh37 (hg19) VCF-style: chr4-73957757-T-A.
Other names: c.5249A>T, p.His1750Leu (NM_001286771.3); c.5585A>T, p.His1862Leu (NM_015574.2); c.4835A>T, p.His1612Leu (NM_198889.3); short protein forms H1612L, H1750L, H1862L, H1863L.
Identifiers: ClinVar variation 3370523 (VCV003370523.1).

ClinVar aggregate classification (germline): Uncertain significance (1 of 4 stars; one submission).

Submission:

GeneDx
Classification: Uncertain significance. Last evaluated: 2024-03-11. Review status: criteria provided, single submitter. Criteria: GeneDx Variant Classification Process June 2021. Collection method: clinical testing. Allele origin: germline. Affected: yes.
Comment: Not observed at significant frequency in large population cohorts (gnomAD); In silico analysis supports that this missense variant has a deleterious effect on protein structure/function; Has not been previously published as pathogenic or benign to our knowledge